The following is an entry in ClinVar:

ClinVar aggregate classification (germline): Uncertain significance (1 of 4 stars; one submission).

Conditions:
Neuropathy, hereditary sensory, type 2C. Also called: KIF1A-Related HSAN2 (HSAN2C); Hereditary sensory and autonomic neuropathy type IIC. Identifiers: Orphanet 970, MedGen C3280168, MONDO:0013634, OMIM 614213.
Hereditary spastic paraplegia 30. Identifiers: Orphanet 101010, MedGen C5235139, MONDO:0012476.
Intellectual disability, autosomal dominant 9 (NESCAVS). Also called: KIF1A-Related Neurodevelopmental Disorder; NESCAV SYNDROME. Identifiers: Orphanet 662367, MedGen C5393830, MONDO:0013656, OMIM 614255.

Submission:

Labcorp Genetics (formerly Invitae), Labcorp
Classification: Uncertain significance for Hereditary spastic paraplegia 30; Neuropathy, hereditary sensory, type 2C; Intellectual disability, autosomal dominant 9. Last evaluated: 2025-10-29. Review status: criteria provided, single submitter. Criteria: Invitae Variant Classification Sherloc (09022015). Collection method: clinical testing. Allele origin: germline.
Comment: This sequence change replaces leucine, which is neutral and non-polar, with proline, which is neutral and non-polar, at codon 1047 of the KIF1A protein (p.Leu1047Pro). This variant is not present in population databases (gnomAD no frequency). This variant has not been reported in the literature in individuals affected with KIF1A-related conditions. Invitae Evidence Modeling of protein sequence and biophysical properties (such as structural, functional, and spatial information, amino acid conservation, physicochemical variation, residue mobility, and thermodynamic stability) indicates that this missense variant is not expected to disrupt KIF1A protein function with a negative predictive value of 95%. In summary, the available evidence is currently insufficient to determine the role of this variant in disease. Therefore, it has been classified as a Variant of Uncertain Significance.

NM_001244008.2(KIF1A):c.3443T>C (p.Leu1148Pro)

Gene: KIF1A (kinesin family member 1A; minus strand). Cytogenetic location: 2q37.3.
Variant type: single nucleotide variant.
Coding change: c.3443T>C on transcript NM_001244008.2 (MANE Select); coding-DNA position 3443, T replaced by C.
Protein change: p.Leu1148Pro; replaces leucine 1148 with proline.
Molecular consequence: missense variant.
Genome position (GRCh38, 1-based): chr2:240,745,449, A>G on the plus strand (T>C on the coding strand, the complement: KIF1A is on the minus strand). VCF-style: chr2-240745449-A-G. GRCh37 (hg19) VCF-style: chr2-241684866-A-G.
Other names: c.3167T>C, p.Leu1056Pro (NM_001320705.2, NM_001330289.2, NM_001379638.1); c.3242T>C, p.Leu1081Pro (NM_001330290.2, NM_001379634.1, NM_001379635.1 and 1 more transcripts); c.3518T>C, p.Leu1173Pro (NM_001379631.1); c.3392T>C, p.Leu1131Pro (NM_001379632.1); c.3416T>C, p.Leu1139Pro (NM_001379633.1, NM_001379642.1, NM_001379645.1); c.3140T>C, p.Leu1047Pro (NM_001379636.1, NM_001379639.1, NM_001379641.1 and 5 more transcripts); c.3215T>C, p.Leu1072Pro (NM_001379637.1, NM_001379648.1); c.3137T>C, p.Leu1046Pro (NM_001379640.1); short protein forms L1046P, L1047P, L1139P, L1148P, L1173P, L1072P, L1056P, L1081P.
Identifiers: ClinVar variation 4789374 (VCV004789374.1).